The following is an entry in ClinVar:

NM_018489.3(ASH1L):c.6546G>A (p.Arg2182=)

Gene: ASH1L (ASH1 like histone lysine methyltransferase; minus strand). Cytogenetic location: 1q22.
Variant type: single nucleotide variant.
Coding change: c.6546G>A on transcript NM_018489.3 (MANE Select); coding-DNA position 6546, G replaced by A.
Protein change: p.Arg2182=; no amino-acid change (arginine 2182 retained).
Molecular consequence: synonymous variant.
Genome position (GRCh38, 1-based): chr1:155,370,644, C>T on the plus strand (G>A on the coding strand, the complement: ASH1L is on the minus strand). VCF-style: chr1-155370644-C-T. GRCh37 (hg19) VCF-style: chr1-155340435-C-T.
Other names: c.6561G>A, p.Arg2187= (NM_001366177.2).
Identifiers: ClinVar variation 711112 (VCV000711112.29), dbSNP rs41264237, ClinGen allele CA1146303.
Genomic context (GRCh38, chr1:155,370,644, plus strand): 5'-CATCCCACTATCCAGGTTCAGGCAGTAGTGGTCACTGTGATTATGATACTGCTCAATCAT[C>T]CTGTTCCTAAAGAGAAGATAAATGATTGAAAGACAATTAAAGAGTAGCTGAAAGTAAATT-3'
Protein context (NP_060959.2, residues 2172-2192): EVVSEQEFRN[Arg2182=]MIEQYHNHSD

ClinVar aggregate classification (germline): Benign. Review status: criteria provided, multiple submitters, no conflicts (2 of 4 stars). 4 submissions from 4 submitters: Benign (3). 1 of the submissions does not count toward it. Last evaluated 2026-09-01.

Conditions:
ASH1L-related disorder. Also called: ASH1L-related condition.

Allele frequency attached by ClinVar (database versions not stated): gnomAD 0.00317 and 0.00319; ESP Exome Variant Server 0.00346; TOPMed 0.00346; 1000 Genomes Project 0.00379; 1000 Genomes Project 30x 0.00390; gnomAD exomes 0.00424 and 0.00452; ExAC 0.00484.
gnomAD v4.1: 7,100 of 1,614,114 alleles (0.44%); highest among the groups gnomAD compares: Admixed American, 0.56%; 29 homozygotes.

Submissions (4):

CeGaT Center for Human Genetics Tuebingen
Classification: Benign. Last evaluated: 2026-09-01. Review status: criteria provided, single submitter. Criteria: CeGaT Center For Human Genetics Tuebingen Variant Classification Criteria Version 2. Collection method: clinical testing. Allele origin: germline. Affected: yes. Observed: 23 variant alleles.
Comment: ASH1L: BP4, BP7, BS1, BS2

Labcorp Genetics (formerly Invitae), Labcorp
Classification: Benign. Last evaluated: 2019-12-31. Review status: criteria provided, single submitter. Criteria: Invitae Variant Classification Sherloc (09022015). Collection method: clinical testing. Allele origin: germline.

Breakthrough Genomics
Classification: Benign. Review status: criteria provided, single submitter. Criteria: ACMG Guidelines, 2015. Collection method: not provided. Allele origin: germline. Inheritance: Autosomal dominant inheritance. Affected: yes.

PreventionGenetics, part of Exact Sciences
Classification: Benign for ASH1L-related condition. Last evaluated: 2021-04-01. Review status: no assertion criteria provided. Collection method: clinical testing. Allele origin: germline. Not counted in ClinVar's aggregate classification.
Comment: This variant is classified as benign based on ACMG/AMP sequence variant interpretation guidelines (Richards et al. 2015 PMID: 25741868, with internal and published modifications).